The following is an entry in ClinVar:

NM_017534.6(MYH2):c.612G>C (p.Glu204Asp)

Genes: MYHAS (myosin heavy chain gene cluster antisense RNA; plus strand), MYH2 (myosin heavy chain 2; minus strand), LOC126862501 (CDK7 strongly-dependent group 2 enhancer GRCh37_chr17:10446256-10447455; plus strand). Cytogenetic location: 17p13.1.
Variant type: single nucleotide variant.
Coding change: c.612G>C on transcript NM_017534.6 (MANE Select); coding-DNA position 612, G replaced by C.
Protein change: p.Glu204Asp; replaces glutamic acid 204 with aspartic acid.
Molecular consequence: missense variant.
Genome position (GRCh38, 1-based): chr17:10,543,938, C>G on the plus strand (G>C on the coding strand, the complement: MYH2 is on the minus strand). VCF-style: chr17-10543938-C-G. GRCh37 (hg19) VCF-style: chr17-10447255-C-G.
Other names: c.612G>C, p.Glu204Asp (NM_001100112.2); short protein forms E204D.
Identifiers: ClinVar variation 1349367 (VCV001349367.6), dbSNP rs1266665896, ClinGen allele CA398169422.

ClinVar aggregate classification (germline): Uncertain significance (1 of 4 stars; one submission).

Conditions:
Myopathy, proximal, and ophthalmoplegia (CMYO6). Also called: INCLUSION BODY MYOPATHY 3, AUTOSOMAL DOMINANT; MYOPATHY WITH CONGENITAL JOINT CONTRACTURES, OPHTHALMOPLEGIA, AND RIMMED VACUOLES; CONGENITAL MYOPATHY 6 WITH OPHTHALMOPLEGIA. Identifiers: Orphanet 363677, Orphanet 79091, MedGen C1854106, MONDO:0011577, OMIM 605637.

Allele frequency attached by ClinVar (database versions not stated): gnomAD exomes below 0.00001.
gnomAD v4.1: 1 of 1,614,234 alleles (0.000062%); highest among the groups gnomAD compares: Admixed American, 0.0017%; no homozygotes.

Submission:

Labcorp Genetics (formerly Invitae), Labcorp
Classification: Uncertain significance for Myopathy, proximal, and ophthalmoplegia. Last evaluated: 2022-06-27. Review status: criteria provided, single submitter. Criteria: Invitae Variant Classification Sherloc (09022015). Collection method: clinical testing. Allele origin: germline.
Comment: In summary, the available evidence is currently insufficient to determine the role of this variant in disease. Therefore, it has been classified as a Variant of Uncertain Significance. Algorithms developed to predict the effect of missense changes on protein structure and function output the following: SIFT: "Tolerated"; PolyPhen-2: "Benign"; Align-GVGD: "Class C0". The aspartic acid amino acid residue is found in multiple mammalian species, which suggests that this missense change does not adversely affect protein function. This variant has not been reported in the literature in individuals affected with MYH2-related conditions. This variant is present in population databases (no rsID available, gnomAD 0.003%). This sequence change replaces glutamic acid, which is acidic and polar, with aspartic acid, which is acidic and polar, at codon 204 of the MYH2 protein (p.Glu204Asp).